The following is an entry in ClinVar:

ClinVar aggregate classification (germline): Uncertain significance. Review status: criteria provided, single submitter (1 of 4 stars). 2 submissions from 2 submitters: Uncertain significance (1). 1 of the submissions does not count toward it. Last evaluated 2021-08-26.

Conditions:
Duchenne muscular dystrophy (DMD). Also called: MUSCULAR DYSTROPHY, PSEUDOHYPERTROPHIC PROGRESSIVE, DUCHENNE TYPE; Duchenne Muscular Dystrophy (DMD). Identifiers: Orphanet 98896, MedGen C0013264, MONDO:0010679, OMIM 310200.
Dystrophin deficiency.
Becker muscular dystrophy (BMD). Also called: MUSCULAR DYSTROPHY, PSEUDOHYPERTROPHIC PROGRESSIVE, BECKER TYPE; Becker Muscular Dystrophy (BMD). Identifiers: Orphanet 98895, MedGen C0917713, MONDO:0010311, OMIM 300376.
Cardiomyopathy (CMYO). Also called: Cardiomyopathies. Identifiers: Orphanet 167848, MedGen C0878544, MONDO:0004994, HP:0001638. Inheritance: Various modes of inheritance.

Allele frequency attached by ClinVar (database versions not stated): TOPMed below 0.00001; gnomAD exomes 0.00002.
gnomAD v4.1: 16 of 1,207,404 alleles (0.0013%); highest among the groups gnomAD compares: Non-Finnish European, 0.0018%; 1 homozygote.

Submissions (2):

Labcorp Genetics (formerly Invitae), Labcorp
Classification: Uncertain significance for Duchenne muscular dystrophy. Last evaluated: 2021-08-26. Review status: criteria provided, single submitter. Criteria: Invitae Variant Classification Sherloc (09022015). Collection method: clinical testing. Allele origin: germline.
Comment: This sequence change replaces lysine with threonine at codon 773 of the DMD protein (p.Lys773Thr). The lysine residue is highly conserved and there is a moderate physicochemical difference between lysine and threonine. This variant is not present in population databases (ExAC no frequency). This variant has not been reported in the literature in individuals affected with DMD-related conditions. Algorithms developed to predict the effect of missense changes on protein structure and function are either unavailable or do not agree on the potential impact of this missense change (SIFT: "Deleterious"; PolyPhen-2: "Possibly Damaging"; Align-GVGD: "Class C0"). In summary, the available evidence is currently insufficient to determine the role of this variant in disease. Therefore, it has been classified as a Variant of Uncertain Significance.

Natera, Inc.
Classification: Uncertain significance for Becker muscular dystrophy; Cardiomyopathy; Duchenne muscular dystrophy; Dystrophin deficiency. Last evaluated: 2020-06-16. Review status: no assertion criteria provided. Collection method: clinical testing. Allele origin: germline. Not counted in ClinVar's aggregate classification.

NM_004006.3(DMD):c.2318A>C (p.Lys773Thr)

Gene: DMD (dystrophin; minus strand). Cytogenetic location: Xp21.1.
Variant type: single nucleotide variant.
Coding change: c.2318A>C on transcript NM_004006.3 (MANE Select); coding-DNA position 2318, A replaced by C.
Protein change: p.Lys773Thr; replaces lysine 773 with threonine.
Molecular consequence: missense variant.
Genome position (GRCh38, 1-based): chrX:32,501,817, T>G on the plus strand (A>C on the coding strand, the complement: DMD is on the minus strand). VCF-style: chrX-32501817-T-G. GRCh37 (hg19) VCF-style: chrX-32519934-T-G.
Other names: c.2294A>C, p.Lys765Thr (NM_000109.4); c.2306A>C, p.Lys769Thr (NM_004009.3); c.1949A>C, p.Lys650Thr (NM_004010.3); short protein forms K769T, K650T, K773T, K765T.
Identifiers: ClinVar variation 968537 (VCV000968537.8), dbSNP rs2044083706, ClinGen allele CA412673680.